The following is an entry in ClinVar:

ClinVar aggregate classification (germline): Uncertain significance. Review status: criteria provided, multiple submitters, no conflicts (2 of 4 stars). 2 submissions from 2 submitters: Uncertain significance (2). Last evaluated 2024-08-07.

Conditions:
Inborn genetic diseases. Identifiers: MedGen C0950123, MeSH D030342.

Allele frequency attached by ClinVar (database versions not stated): gnomAD 0.00001.

Submissions (2):

Ambry Genetics
Classification: Uncertain significance for Inborn genetic diseases. Last evaluated: 2024-08-07. Review status: criteria provided, single submitter. Criteria: Ambry Variant Classification Scheme 2023. Collection method: clinical testing. Allele origin: germline.

Labcorp Genetics (formerly Invitae), Labcorp
Classification: Uncertain significance. Last evaluated: 2023-01-15. Review status: criteria provided, single submitter. Criteria: Invitae Variant Classification Sherloc (09022015). Collection method: clinical testing. Allele origin: germline.
Comment: This variant is not present in population databases (gnomAD no frequency). This sequence change replaces cysteine, which is neutral and slightly polar, with tyrosine, which is neutral and polar, at codon 210 of the CRB2 protein (p.Cys210Tyr). This variant has not been reported in the literature in individuals affected with CRB2-related conditions. In summary, the available evidence is currently insufficient to determine the role of this variant in disease. Therefore, it has been classified as a Variant of Uncertain Significance. Advanced modeling of protein sequence and biophysical properties (such as structural, functional, and spatial information, amino acid conservation, physicochemical variation, residue mobility, and thermodynamic stability) performed at Invitae indicates that this missense variant is expected to disrupt CRB2 protein function.

NM_173689.7(CRB2):c.629G>A (p.Cys210Tyr)

Gene: CRB2 (crumbs cell polarity complex component 2; plus strand). Cytogenetic location: 9q33.3.
Variant type: single nucleotide variant.
Coding change: c.629G>A on transcript NM_173689.7 (MANE Select); coding-DNA position 629, G replaced by A.
Protein change: p.Cys210Tyr; replaces cysteine 210 with tyrosine.
Molecular consequence: missense variant.
Genome position (GRCh38, 1-based): chr9:123,366,241, G>A. VCF-style: chr9-123366241-G-A. GRCh37 (hg19) VCF-style: chr9-126128520-G-A.
Other names: c.629G>A (NM_173689.5); short protein forms C210Y.
Identifiers: ClinVar variation 2826577 (VCV002826577.4), dbSNP rs2041929738, ClinGen allele CA374857377.
Genomic context (GRCh38, chr9:123,366,241, plus strand): 5'-AGAAGGGGCAGGCGCGCGCTCAGCTCCGCCGGTGCGCCCTCCCCAGGTTCCGGTGCGACT[G>A]CGCGGGCACCGGCTACGAGGGCACGCACTGCGAGCGGGAGGTGCTGGAGTGCGCATCGGC-3'
Protein context (NP_775960.4, residues 200-220): HDLVNGFRCD[Cys210Tyr]AGTGYEGTHC